The following is an entry in ClinVar:

ClinVar aggregate classification (germline): Uncertain significance. Review status: criteria provided, multiple submitters, no conflicts (2 of 4 stars). 2 submissions from 2 submitters: Uncertain significance (2). Last evaluated 2024-09-19.

Conditions:
Idiopathic generalized epilepsy. Also called: Generalised epilepsy; EIG. Identifiers: MedGen C0270850, MONDO:0005579, OMIM 600669.
Hyperaldosteronism, familial, type IV (HALD4). Also called: FH IV; ALDOSTERONISM, PRIMARY, AND HYPERTENSION. Identifiers: Orphanet 642671, MedGen C4310756, MONDO:0014875, OMIM 617027.

Submissions (2):

GeneDx
Classification: Uncertain significance. Last evaluated: 2024-09-19. Review status: criteria provided, single submitter. Criteria: GeneDx Variant Classification Process June 2021. Collection method: clinical testing. Allele origin: germline. Affected: yes.
Comment: Not observed at significant frequency in large population cohorts (gnomAD); In silico analysis supports that this missense variant has a deleterious effect on protein structure/function; Has not been previously published as pathogenic or benign to our knowledge

Labcorp Genetics (formerly Invitae), Labcorp
Classification: Uncertain significance for Idiopathic generalized epilepsy; Hyperaldosteronism, familial, type IV. Last evaluated: 2024-02-07. Review status: criteria provided, single submitter. Criteria: Invitae Variant Classification Sherloc (09022015). Collection method: clinical testing. Allele origin: germline.
Comment: This sequence change replaces alanine, which is neutral and non-polar, with glycine, which is neutral and non-polar, at codon 1151 of the CACNA1H protein (p.Ala1151Gly). This variant is not present in population databases (gnomAD no frequency). This variant has not been reported in the literature in individuals affected with CACNA1H-related conditions. Advanced modeling of protein sequence and biophysical properties (such as structural, functional, and spatial information, amino acid conservation, physicochemical variation, residue mobility, and thermodynamic stability) performed at Invitae indicates that this missense variant is not expected to disrupt CACNA1H protein function with a negative predictive value of 80%. In summary, the available evidence is currently insufficient to determine the role of this variant in disease. Therefore, it has been classified as a Variant of Uncertain Significance.

NM_021098.3(CACNA1H):c.3452C>G (p.Ala1151Gly)

Gene: CACNA1H (calcium voltage-gated channel subunit alpha1 H; plus strand). Cytogenetic location: 16p13.3.
Variant type: single nucleotide variant.
Coding change: c.3452C>G on transcript NM_021098.3 (MANE Select); coding-DNA position 3452, C replaced by G.
Protein change: p.Ala1151Gly; replaces alanine 1151 with glycine.
Molecular consequence: missense variant.
Genome position (GRCh38, 1-based): chr16:1,209,120, C>G. VCF-style: chr16-1209120-C-G. GRCh37 (hg19) VCF-style: chr16-1259120-C-G.
Other names: c.3452C>G (NM_021098.2); c.3452C>G, p.Ala1151Gly (NM_001005407.2); short protein forms A1151G.
Identifiers: ClinVar variation 3749411 (VCV003749411.3).